The following continues an entry in ClinVar:

NM_000179.3(MSH6):c.10C>T (p.Gln4Ter)

Gene: MSH6. ClinVar aggregate classification (germline): Pathogenic/Likely pathogenic. Pathogenic (17); Likely pathogenic (1).

Submissions 10 to 22 of 22:

Quest Diagnostics Nichols Institute San Juan Capistrano
Classification: Pathogenic. Last evaluated: 2023-06-08. Review status: criteria provided, single submitter. Criteria: Quest Diagnostics criteria. Collection method: clinical testing. Allele origin: unknown.
Comment: The MSH6 c.10C>T (p.Gln4*) variant causes the premature termination of MSH6 protein synthesis. This variant has been reported in the published literature in as one of the most common pathogenic Lynch Syndrome variants in French Canadian families in Quebec (PMID: 25318681 (2015)). This variant has also been identified in affected individuals with colorectal and lung cancers (PMIDs: 28135145 (2017), 28125075 (2017) and 20028993 (2010)). Based on the available information, this variant is classified as pathogenic.

CHEO Genetics Diagnostic Laboratory, Children's Hospital of Eastern Ontario
Classification: Pathogenic for Breast and/or ovarian cancer. Last evaluated: 2023-05-19. Review status: criteria provided, single submitter. Criteria: ACMG Guidelines, 2015. Collection method: clinical testing. Allele origin: germline.

Myriad Genetics, Inc.
Classification: Pathogenic for Lynch syndrome 5. Last evaluated: 2023-03-28. Review status: criteria provided, single submitter. Criteria: Myriad Autosomal Dominant, Autosomal Recessive and X-Linked Classification Criteria (2023). Collection method: clinical testing. Allele origin: unknown.
Comment: This variant is considered pathogenic. This variant creates a termination codon and is predicted to result in premature protein truncation.

Laboratory for Molecular Medicine, Mass General Brigham Personalized Medicine
Classification: Pathogenic for Lynch syndrome. Last evaluated: 2022-06-28. Review status: criteria provided, single submitter. Criteria: ACMG Guidelines, 2015. Collection method: clinical testing. Allele origin: germline. Inheritance: Autosomal dominant inheritance.
Comment: The p.Gln4X variant in MSH6 has been reported in >20 individuals with MSH6-associated cancers, and segregated with disease in at least 4 affected individuals from 3 families (Baglietto 2010 PMID: 20028993, Castellsague 2015 PMID: 25318681, Yurgelun 2015 PMID: 25980754, Shirts 2016 PMID: 26845104, Ghazani 2017 PMID: 28125075, Yurgelun 2017 PMID: 28135145, Carter 2018 PMID: 30322717, Tian 2019 PMID: 31054147, Yang 2019 PMID: 31604779, Perez-Valencia 2020 PMID: 32773772) and is believed to be a novel founder mutation in the French Canadian population (Castellsague 2015 PMID: 25318681). It has also been reported by other clinical laboratories in ClinVar (Variation ID: 183723) and has been identified in 0.006% (7/125024) of European chromosomes by gnomAD. This nonsense variant leads to a premature termination codon at position 4, which is predicted to lead to a truncated or absent protein. Heterozygous loss of function of the MSH6 gene is an established disease mechanism in Lynch Syndrome. In summary, this variant meets criteria to be classified as pathogenic for autosomal dominant Lynch syndrome. ACMG/AMP Criteria applied: PVS1, PS4, PM2_Supporting, PP1.

GeneDx
Classification: Pathogenic. Last evaluated: 2022-05-04. Review status: criteria provided, single submitter. Criteria: GeneDx Variant Classification Process June 2021. Collection method: clinical testing. Allele origin: germline. Affected: yes.
Comment: Reported as a founder variant in the French Canadian population (Castellsagu 2014); Observed in homozygous state in individuals with personal histories suspicious for constitutional mismatch repair deficiency (CMMR-D) syndrome (Castellsague 2014, Perez-Valencia 2020); Nonsense variant predicted to result in protein truncation or nonsense mediated decay in a gene for which loss-of-function is a known mechanism of disease; Not observed at significant frequency in large population cohorts (gnomAD); Truncating variants in this gene are considered pathogenic by a well-established clinical consortium and/or database; This variant is associated with the following publications: (PMID: 28514183, 29485237, 20028993, 25980754, 25345868, 25318681, 22949379, 26845104, 28152038, 28135145, 28125075, 29750335, 30702970, 31604779, 31054147, 30322717, 32773772, 31980526, 31948886, 30787465, 27535533)

Sema4
Classification: Pathogenic for Hereditary cancer-predisposing syndrome. Last evaluated: 2021-06-01. Review status: criteria provided, single submitter. Criteria: Sema4 Curation Guidelines. Collection method: curation. Allele origin: germline.
Comment: The MSH6 c.10C>T (p.Q4X) variant has been reported in heterozygosity in at least 26 individuals with Lynch syndrome/endometrial cancer, lung cancer (PMID: 20028993, 25318681, 28125075, 28135145), and in one homozygous individual with constitutional mismatch repair deficiency syndrome (PMID 25318681). This variant was identified in 11 families, where it was found to co-segregate with cancer in 15/23 carriers (PMID: 25318681). This variant is a founder variant in the French-Canadian population (PMID: 25318681). This nonsense variant creates a premature stop codon at residue 4 of the MSH6 protein. Heterozygous loss of function of the MSH6 gene is an established disease mechanism in Lynch Syndrome. This variant was observed in 7/125024 chromosomes in the Non-Finnish European population, according to the Genome Aggregation Database (PMID: 32461654). This variant has been reported in ClinVar (Variation ID: 183723). Based on the current evidence available, this variant is interpreted as pathogenic.

Women's Health and Genetics/Laboratory Corporation of America, LabCorp
Classification: Pathogenic for Lynch syndrome. Last evaluated: 2017-10-06. Review status: criteria provided, single submitter. Criteria: LabCorp Variant Classification Summary - May 2015. Collection method: clinical testing. Allele origin: germline.
Comment: Variant summary: The MSH6 c.10C>T (p.Gln4X) variant results in a premature termination codon, predicted to cause a truncated or absent MSH6 protein due to nonsense mediated decay, which are commonly known mechanisms for disease. This variant was found in 5/270892 control chromosomes at a frequency of 0.0000185, which does not exceed the estimated maximal expected allele frequency of a pathogenic MSH6 variant (0.0001421). The variant has been reported to cosegregate in 11 French-Canadian families and was determined to be a founder mutation. One individual was homozygous for the variant and consistent with CMMR-D phenotype (Castellsague_2014). In addition, multiple clinical diagnostic laboratories/reputable databases classified this variant as pathogenic. Taken together, this variant is classified as pathogenic.

Center for Human Genetics, Inc
Classification: Likely pathogenic for Lynch syndrome 5. Last evaluated: 2016-11-01. Review status: criteria provided, single submitter. Criteria: ACMG Guidelines, 2015. Collection method: clinical testing. Allele origin: germline. Affected: yes.

University of Washington Department of Laboratory Medicine, University of Washington
Classification: Pathogenic for Hereditary nonpolyposis colon cancer. Last evaluated: 2015-11-20. Review status: criteria provided, single submitter. Criteria: Shirts et al. (Genet Med 2016). Collection method: clinical testing. Allele origin: germline. Affected: yes. Observed: 1 variant allele.

Institute of Human Genetics, Medical University Innsbruck
Classification: Pathogenic for Mismatch repair cancer syndrome 1. Last evaluated: 2020-05-06. Review status: no assertion criteria provided. Collection method: research. Allele origin: germline. Affected: yes. Observed: 1 homozygote. Not counted in ClinVar's aggregate classification.

Counsyl
Classification: Pathogenic for Lynch syndrome 5. Last evaluated: 2017-06-13. Review status: no assertion criteria provided. Collection method: clinical testing. Allele origin: unknown. Not counted in ClinVar's aggregate classification.

OMIM
Classification: Pathogenic for LYNCH SYNDROME 5. Last evaluated: 2015-06-01. Review status: no assertion criteria provided. Collection method: literature only. Allele origin: germline. Not counted in ClinVar's aggregate classification.

Department of Pathology and Laboratory Medicine, Sinai Health System
Classification: Pathogenic for Carcinoma of colon. Review status: no assertion criteria provided. Collection method: clinical testing. Allele origin: unknown. Affected: yes. Study: The Canadian Open Genetics Repository (COGR). Not counted in ClinVar's aggregate classification.
Comment: The MSH6 p.Gln4* variant was identified in ClinVar (classified as pathogenic by Ambry Genetics, Invitae, GeneDx, and the University of Washington Department of Laboratory Medicine and as likely pathogenic by Mayo Clinic Genetic Testing Laboratories), COSMIC, COGR (classified as pathogenic by a clinical laboratory), and UMD (1x with a causal classification). This variant was identified in the genome Aggregation Database (beta, October 19th 2016) in 5 of 276350 chromosomes (freq. 0.00002). The variant was not found in dbSNP, â€šÃ„ÃºMismatch Repair Genes Variant Databaseâ€šÃ„Ã¹, â€šÃ„ÃºMMR Gene Unclassified Variants Databaseâ€šÃ„Ã¹, InSiGHT Colon Cancer Gene Variant Database (LOVD), Zhejiang Colon Cancer Database (LOVD), 1000 Genomes Project, the NHLBI GO Exome Sequencing Project or the Exome Aggregation Consortium database. The variant occurs outside of the splicing consensus sequence and 1 of 5 in silico or computational prediction software programs (SpliceSiteFinder, MaxEntScan, NNSPLICE, GeneSplicer, HumanSpliceFinder) predict a greater than 10% difference in splicing; this is not very predictive of pathogenicity. The p.Gln4* variant is predicted to lead to a premature stop codon at position 4, which is predicted to result in a truncated or absent protein and loss of function. Loss of function variants of the MSH6 gene are an established mechanism of disease in Lynch syndrome and this is the type of variant expected to cause the disorder. A study by Castellsague (2015) suggests the variant is a novel founder mutation in the French Canadian population. The mutation co-segregated with cancer in 15 of 23 carriers and confers a major risk to develop EC (endometrial cancer). All available tumours from carrier individuals showed MSI and IHC loss of MSH6 protein. In addition, the mutation was found in 16 samples in a control population of 6433 newborns in Quebec (~1/400). The variant was also identified by our laboratory in 2 individuals with endometrial and uterine cancer. In summary, based on the above information, this variant meets our laboratoryâ€šÃ„Ã´s criteria to be classified as pathogenic.

Literature cited by the submitters: PubMed 18269114 (cited by Labcorp Genetics (formerly Invitae), Labcorp and All of Us Research Program, National Institutes of Health); PubMed 24362816 (cited by Labcorp Genetics (formerly Invitae), Labcorp); PubMed 20028993 (cited by 7 submitters); PubMed 25318681 (cited by 10 submitters); PubMed 26845104 (cited by 3 submitters); PubMed 28135145 (cited by 6 submitters); PubMed 29345684 (cited by Color Diagnostics, LLC DBA Color Health and All of Us Research Program, National Institutes of Health); PubMed 30322717 (cited by 3 submitters); PubMed 31604779 (cited by 4 submitters); PubMed 32773772 (cited by 6 submitters); PubMed 25980754 (cited by 4 submitters); PubMed 28888541 (cited by Mayo Clinic Laboratories, Mayo Clinic); PubMed 31054147 (cited by Mayo Clinic Laboratories, Mayo Clinic and Laboratory for Molecular Medicine, Mass General Brigham Personalized Medicine); PubMed 34326862 (cited by Mayo Clinic Laboratories, Mayo Clinic); PubMed 30376427 (cited by All of Us Research Program, National Institutes of Health); PubMed 28125075 (cited by 3 submitters); PubMed 28323777 (cited by Quest Diagnostics Nichols Institute San Juan Capistrano); PubMed 34088725 (cited by Quest Diagnostics Nichols Institute San Juan Capistrano); PubMed 26214590 (cited by Laboratory for Molecular Medicine, Mass General Brigham Personalized Medicine).